The following is an entry in ClinVar:

ClinVar aggregate classification (germline): Likely pathogenic (1 of 4 stars; one submission).

Conditions:
Mandibulofacial dysostosis-microcephaly syndrome (MFDGA). Also called: Growth and mental retardation, mandibulofacial dysostosis, microcephaly, and cleft palate; Mandibulofacial dysostosis, Guion-Almeida type. Identifiers: Orphanet 79113, MedGen C1864652, MONDO:0012516, OMIM 610536.

Submission:

Victorian Clinical Genetics Services, Murdoch Childrens Research Institute
Classification: Likely pathogenic for Mandibulofacial dysostosis-microcephaly syndrome. Last evaluated: 2017-03-31. Review status: criteria provided, single submitter. Criteria: ACMG Guidelines, 2015. Collection method: clinical testing. Allele origin: unknown. Inheritance: Autosomal dominant inheritance. Affected: yes. Observed: 1 variant allele.
Comment: A heterozygous deletion variant was identified, NM_004247.3(EFTUD2):c.2551delG in exon 25 of the EFTUD2 gene (chr17:42930673). This deletion is predicted to cause a frameshift from amino acid position 851, introducing a stop codon 7 residues downstream, NP_004238.3(EFTUD2):p.(Ala851ProfsTer7), resulting in loss of normal protein function either through truncation (loss of ~1/10th of the protien) or nonsense-mediated decay. This variant has not been previously observed in our cohort, it is not present in population databases (ExAC/GnomAD) and has not been previously observed in other clinical cases. However, other heterozygous truncating variants downstream of c.2551delG in EFTUD2 gene have been reported as pathogenic in individuals with Mandibulofacial dysostosis (ClinVar). Based on current information, this variant has been classified as LIKELY PATHOGENIC.

NM_004247.4(EFTUD2):c.2551del (p.Ala851fs)

Gene: EFTUD2 (elongation factor Tu GTP binding domain containing 2; minus strand). Cytogenetic location: 17q21.31.
Variant type: Deletion.
Coding change: c.2551del on transcript NM_004247.4 (MANE Select); coding-DNA position 2551, one base deleted (G; older notation c.2551delG).
Protein change: p.Ala851fs; shifts the reading frame from alanine 851.
Molecular consequence: frameshift variant.
Genome position (GRCh38, 1-based): chr17:44,853,306, C deleted on the plus strand (G on the coding strand, the reverse complement: EFTUD2 is on the minus strand); the first of 2 consecutive C bases (chr17:44,853,306-44,853,307); deleting either gives the same sequence. VCF-style (leftmost placement, unchanged base first): chr17-44853305-GC-G. GRCh37 (hg19) VCF-style: chr17-42930673-GC-G.
Other names: c.2446del, p.Ala816fs (NM_001142605.2); c.2551del, p.Ala851fs (NM_001258353.2); c.2521del, p.Ala841fs (NM_001258354.2); short protein forms A816fs, A841fs, A851fs.
Identifiers: ClinVar variation 488388 (VCV000488388.3), dbSNP rs1555564126, ClinGen allele CA658684126.
Genomic context (GRCh38, chr17:44,853,305, plus strand): 5'-TGTTCTGCTCTTGCTCTCAGCACTCTCCCTAATACGCCTGGGGCCGCTCACCTGCGCCTG[GC>G]CAGGACGGTATAAACTGCAGAGACGCAATCTGCAGGGGCCTGGACCTCTACAAAGTAGTA-3'